The following is an entry in ClinVar:

ClinVar aggregate classification (germline): Uncertain significance (1 of 4 stars; one submission).

Conditions:
Immunodeficiency 39 (IMD39). Identifiers: Orphanet 574918, MedGen C4225358, MONDO:0014597, OMIM 616345.

gnomAD v4.1: 4 of 1,555,158 alleles (0.00026%); highest among the groups gnomAD compares: Middle Eastern, 0.018%; no homozygotes.

Submission:

Labcorp Genetics (formerly Invitae), Labcorp
Classification: Uncertain significance for Immunodeficiency 39. Last evaluated: 2024-06-04. Review status: criteria provided, single submitter. Criteria: Invitae Variant Classification Sherloc (09022015). Collection method: clinical testing. Allele origin: germline.
Comment: This sequence change affects a donor splice site in intron 6 of the IRF7 gene. It is expected to disrupt RNA splicing. Variants that disrupt the donor or acceptor splice site typically lead to a loss of protein function (PMID: 16199547), however the current clinical and genetic evidence is not sufficient to establish whether loss-of-function variants in IRF7 cause disease. This variant is present in population databases (rs370669332, gnomAD 0.008%). This variant has not been reported in the literature in individuals affected with IRF7-related conditions. ClinVar contains an entry for this variant (Variation ID: 1004487). Algorithms developed to predict the effect of sequence changes on RNA splicing suggest that this variant may disrupt the consensus splice site. In summary, the available evidence is currently insufficient to determine the role of this variant in disease. Therefore, it has been classified as a Variant of Uncertain Significance.

Literature cited by the submitters: PubMed 16199547.

NM_001572.5(IRF7):c.847+1G>C

Gene: IRF7 (interferon regulatory factor 7; minus strand). Cytogenetic location: 11p15.5.
Variant type: single nucleotide variant.
Coding change: c.847+1G>C on transcript NM_001572.5 (MANE Select); the canonical splice donor site of the intron after coding-DNA position 847, G replaced by C.
Molecular consequence: splice donor variant.
Genome position (GRCh38, 1-based): chr11:613,784, C>G on the plus strand (G>C on the coding strand, the complement: IRF7 is on the minus strand). VCF-style: chr11-613784-C-G. GRCh37 (hg19) VCF-style: chr11-613784-C-G.
Other names: c.760+1G>C (NM_004029.4); c.886+1G>C (NM_004031.4).
Identifiers: ClinVar variation 1004487 (VCV001004487.7), dbSNP rs370669332, ClinGen allele CA5783720.